The following is an entry in ClinVar:

NM_000038.6(APC):c.6895C>A (p.Pro2299Thr)

Gene: APC (APC regulator of Wnt signaling pathway; plus strand). Cytogenetic location: 5q22.2.
Variant type: single nucleotide variant.
Coding change: c.6895C>A on transcript NM_000038.6 (MANE Select); coding-DNA position 6895, C replaced by A.
Protein change: p.Pro2299Thr; replaces proline 2299 with threonine.
Molecular consequence: missense variant.
Genome position (GRCh38, 1-based): chr5:112,842,489, C>A. VCF-style: chr5-112842489-C-A. GRCh37 (hg19) VCF-style: chr5-112178186-C-A.
Other names: c.6895C>A, p.Pro2299Thr (NM_001127510.3, NM_001354895.2); c.6841C>A, p.Pro2281Thr (NM_001127511.3); c.6949C>A, p.Pro2317Thr (NM_001354896.2); c.6925C>A, p.Pro2309Thr (NM_001354897.2); c.6820C>A, p.Pro2274Thr (NM_001354898.2); c.6811C>A, p.Pro2271Thr (NM_001354899.2); c.6772C>A, p.Pro2258Thr (NM_001354900.2); c.6718C>A, p.Pro2240Thr (NM_001354901.2); and 5 more; short protein forms P2139T, P2309T, P2240T, P2258T, P2281T, P2317T, P2016T, P2173T.
Identifiers: ClinVar variation 920011 (VCV000920011.4), dbSNP rs1060503267, ClinGen allele CA16036376.

ClinVar aggregate classification (germline): Uncertain significance (1 of 4 stars; one submission).

Conditions:
Hereditary cancer-predisposing syndrome. Also called: Neoplastic Syndromes, Hereditary; Tumor predisposition; Hereditary Cancer Syndrome; Hereditary neoplastic syndrome. Identifiers: Orphanet 140162, MedGen C0027672, MeSH D009386, MONDO:0015356.

Submission:

Color Diagnostics, LLC DBA Color Health
Classification: Uncertain significance for Hereditary cancer-predisposing syndrome. Last evaluated: 2024-03-06. Review status: criteria provided, single submitter. Criteria: ACMG Guidelines, 2015. Collection method: clinical testing. Allele origin: germline.
Comment: This missense variant replaces proline with threonine at codon 2299 of the APC protein. Computational prediction tool suggests that this variant may not impact protein structure and function (internally defined REVEL score threshold <=0.5, PMID: 27666373). Splice site prediction tools suggest that this variant may not impact RNA splicing. To our knowledge, functional studies have not been performed for this variant. This variant has not been reported in individuals affected with hereditary cancer in the literature. This variant has not been identified in the general population by the Genome Aggregation Database (gnomAD). The available evidence is insufficient to determine the role of this variant in disease conclusively. Therefore, this variant is classified as a Variant of Uncertain Significance.